The following is an entry in ClinVar:

ClinVar aggregate classification (germline): Uncertain significance (1 of 4 stars; one submission).

Conditions:
Cardiomyopathy (CMYO). Also called: Cardiomyopathies. Identifiers: Orphanet 167848, MedGen C0878544, MONDO:0004994, HP:0001638. Inheritance: Various modes of inheritance.

gnomAD v4.1: 2 of 1,613,016 alleles (0.00012%); highest among the groups gnomAD compares: Non-Finnish European, 0.00017%; no homozygotes.

Submission:

Color Diagnostics, LLC DBA Color Health
Classification: Uncertain significance for Cardiomyopathy. Last evaluated: 2025-06-17. Review status: criteria provided, single submitter. Criteria: ACMG Guidelines, 2015. Collection method: clinical testing. Allele origin: germline.
Comment: This missense variant replaces glutamic acid with glutamine at codon 810 of the RYR2 protein. Computational prediction suggests that this variant may not impact protein structure and function. To our knowledge, functional studies have not been reported for this variant. This variant has not been reported in individuals affected with RYR2-related disorders in the literature. This variant has not been identified in the general population by the Genome Aggregation Database (gnomAD). The available evidence is insufficient to determine the role of this variant in disease conclusively. Therefore, this variant is classified as a Variant of Uncertain Significance.

NM_001035.3(RYR2):c.2428G>C (p.Glu810Gln)

Gene: RYR2 (ryanodine receptor 2; plus strand). Cytogenetic location: 1q43.
Variant type: single nucleotide variant.
Coding change: c.2428G>C on transcript NM_001035.3 (MANE Select); coding-DNA position 2428, G replaced by C.
Protein change: p.Glu810Gln; replaces glutamic acid 810 with glutamine.
Molecular consequence: missense variant.
Genome position (GRCh38, 1-based): chr1:237,503,320, G>C. VCF-style: chr1-237503320-G-C. GRCh37 (hg19) VCF-style: chr1-237666620-G-C.
Other names: short protein forms E810Q.
Identifiers: ClinVar variation 4757186 (VCV004757186.1).